The following is an entry in ClinVar:

ClinVar aggregate classification (germline): Uncertain significance (1 of 4 stars; one submission).

Submission:

Ambry Genetics
Classification: Uncertain significance. Last evaluated: 2022-07-17. Review status: criteria provided, single submitter. Criteria: Ambry Variant Classification Scheme 2023. Collection method: clinical testing. Allele origin: germline.
Comment: The p.G479V variant (also known as c.1436G>T), located in coding exon 9 of the POLQ gene, results from a G to T substitution at nucleotide position 1436. The glycine at codon 479 is replaced by valine, an amino acid with dissimilar properties. This amino acid position is conserved. In addition, this alteration is predicted to be deleterious by in silico analysis. Since supporting evidence is limited at this time, the clinical significance of this alteration remains unclear.

NM_199420.4(POLQ):c.1436G>T (p.Gly479Val)

Gene: POLQ (DNA polymerase theta; minus strand). Cytogenetic location: 3q13.33.
Variant type: single nucleotide variant.
Coding change: c.1436G>T on transcript NM_199420.4 (MANE Select); coding-DNA position 1436, G replaced by T.
Protein change: p.Gly479Val; replaces glycine 479 with valine.
Molecular consequence: missense variant.
Genome position (GRCh38, 1-based): chr3:121,519,903, C>A on the plus strand (G>T on the coding strand, the complement: POLQ is on the minus strand). VCF-style: chr3-121519903-C-A. GRCh37 (hg19) VCF-style: chr3-121238750-C-A.
Other names: short protein forms G479V.
Identifiers: ClinVar variation 1772626 (VCV001772626.2), dbSNP rs921407042, ClinGen allele CA354119005.